The following is an entry in ClinVar:

NM_005450.6(NOG):c.462C>T (p.Phe154=)

Gene: NOG (noggin; plus strand). Cytogenetic location: 17q22.
Variant type: single nucleotide variant.
Coding change: c.462C>T on transcript NM_005450.6 (MANE Select); coding-DNA position 462, C replaced by T.
Protein change: p.Phe154=; no amino-acid change (phenylalanine 154 retained).
Molecular consequence: synonymous variant.
Genome position (GRCh38, 1-based): chr17:56,594,685, C>T. VCF-style: chr17-56594685-C-T. GRCh37 (hg19) VCF-style: chr17-54672046-C-T.
Identifiers: ClinVar variation 3652420 (VCV003652420.2).

ClinVar aggregate classification (germline): Uncertain significance (1 of 4 stars; one submission).

gnomAD v4.1: 3 of 1,613,900 alleles (0.00019%); highest among the groups gnomAD compares: Non-Finnish European, 0.00017%; no homozygotes.

Submission:

Labcorp Genetics (formerly Invitae), Labcorp
Classification: Uncertain significance. Last evaluated: 2025-09-08. Review status: criteria provided, single submitter. Criteria: Invitae Variant Classification Sherloc (09022015). Collection method: clinical testing. Allele origin: germline.
Comment: This sequence change affects codon 154 of the NOG mRNA. It is a 'silent' change, meaning that it does not change the encoded amino acid sequence of the NOG protein. This variant is not present in population databases (gnomAD no frequency). This variant has not been reported in the literature in individuals affected with NOG-related conditions. ClinVar contains an entry for this variant (Variation ID: 3652420). In summary, the available evidence is currently insufficient to determine the role of this variant in disease. Therefore, it has been classified as a Variant of Uncertain Significance.